The following is an entry in ClinVar:

ClinVar aggregate classification (germline): Likely benign (0 of 4 stars; one submission).

Conditions:
PIAS4-related disorder. Also called: PIAS4-related condition.

Allele frequency attached by ClinVar (database versions not stated): gnomAD 0.00001; TOPMed 0.00001.
gnomAD v4.1: 2 of 1,613,418 alleles (0.00012%); highest among the groups gnomAD compares: African/African-American, 0.0027%; no homozygotes.

Submission:

PreventionGenetics, part of Exact Sciences
Classification: Likely benign for PIAS4-related condition. Last evaluated: 2023-04-25. Review status: no assertion criteria provided. Collection method: clinical testing. Allele origin: germline.
Comment: This variant is classified as likely benign based on ACMG/AMP sequence variant interpretation guidelines (Richards et al. 2015 PMID: 25741868, with internal and published modifications).

NM_015897.4(PIAS4):c.156T>C (p.Pro52=)

Gene: PIAS4 (protein inhibitor of activated STAT 4; plus strand). Cytogenetic location: 19p13.3.
Variant type: single nucleotide variant.
Coding change: c.156T>C on transcript NM_015897.4 (MANE Select); coding-DNA position 156, T replaced by C.
Protein change: p.Pro52=; no amino-acid change (proline 52 retained).
Molecular consequence: synonymous variant.
Genome position (GRCh38, 1-based): chr19:4,013,051, T>C. VCF-style: chr19-4013051-T-C. GRCh37 (hg19) VCF-style: chr19-4013049-T-C.
Identifiers: ClinVar variation 3053895 (VCV003053895.2), dbSNP rs2040012329, ClinGen allele CA505161155.